The following is an entry in ClinVar:

NM_004606.5(TAF1):c.4520C>T (p.Ala1507Val)

Gene: TAF1 (TATA-box binding protein associated factor 1; plus strand). Cytogenetic location: Xq13.1.
Variant type: single nucleotide variant.
Coding change: c.4520C>T on transcript NM_004606.5 (MANE Select); coding-DNA position 4520, C replaced by T.
Protein change: p.Ala1507Val; replaces alanine 1507 with valine.
Molecular consequence: missense variant. On other transcripts: non-coding transcript variant (9).
Genome position (GRCh38, 1-based): chrX:71,423,184, C>T. VCF-style: chrX-71423184-C-T. GRCh37 (hg19) VCF-style: chrX-70643034-C-T.
Other names: c.4520C>T, p.Ala1507Val (NM_001286074.2); c.4457C>T, p.Ala1486Val (NM_138923.4); c.4580C>T (NM_001286074.1); short protein forms A1527V, A1507V, A1486V.
Identifiers: ClinVar variation 694253 (VCV000694253.3), dbSNP rs1602624950, ClinGen allele CA413541683.

ClinVar aggregate classification (germline): Pathogenic/Likely pathogenic. Review status: no assertion criteria provided (0 of 4 stars). 2 submissions from 2 submitters: Pathogenic (1); Likely pathogenic (1). Last evaluated 2024-03-11.

Conditions:
Intellectual developmental disorder, X-linked, syndromic 33. Also called: X-linked intellectual disability-global development delay-facial dysmorphism-sacral caudal remnant syndrome; Intellectual disability, X-linked, syndromic 33. Identifiers: Orphanet 480907, MedGen C4225418, MONDO:0010500, OMIM 300966.
TAF1-related disorder. Also called: TAF1-related condition.

Submissions (2):

PreventionGenetics, part of Exact Sciences
Classification: Pathogenic for TAF1-related condition. Last evaluated: 2024-03-11. Review status: no assertion criteria provided. Collection method: clinical testing. Allele origin: germline.
Comment: The TAF1 c.4580C>T variant is predicted to result in the amino acid substitution p.Ala1527Val. This variant has been documented in two unrelated individuals with X-linked syndromic intellectual developmental disorder 33, including as a hemizygous de novo finding in one of the cases (Cheng et al. 2020. PubMed ID: 31646703; Lunke et al. 2020. PubMed ID: 32573669). This variant has not been reported in a large population database, indicating this variant is rare. This variant is interpreted as pathogenic.

Genome Medicine, Institute for Basic Research in Developmental Disabilities
Classification: Likely pathogenic for Intellectual developmental disorder, X-linked, syndromic 33. Last evaluated: 2019-09-23. Review status: no assertion criteria provided. Collection method: clinical testing. Allele origin: de novo. Affected: yes.